The following is an entry in ClinVar:

ClinVar aggregate classification (germline): Uncertain significance (1 of 4 stars; one submission).

Conditions:
Muscular dystrophy-dystroglycanopathy (congenital with impaired intellectual development), type B, 1. Also called: Muscular dystrophy-dystroglycanopathy (congenital with intellectual disability), type B1; MUSCULAR DYSTROPHY, CONGENITAL, POMT1-RELATED. Identifiers: MedGen C5436962, MONDO:0013159, OMIM 613155.
Walker-Warburg congenital muscular dystrophy. Also called: Muscular dystrophy-dystroglycanopathy, type A; Walker-Warburg syndrome. Identifiers: Orphanet 899, MedGen C0265221, MONDO:0000171.
Autosomal recessive limb-girdle muscular dystrophy type 2K. Also called: MUSCULAR DYSTROPHY-DYSTROGLYCANOPATHY (LIMB-GIRDLE), TYPE C, 1; MUSCULAR DYSTROPHY, LIMB-GIRDLE, TYPE 2K. Identifiers: Orphanet 86812, MedGen C1836373, MONDO:0012248, OMIM 609308.

Submission:

Labcorp Genetics (formerly Invitae), Labcorp
Classification: Uncertain significance for Muscular dystrophy-dystroglycanopathy (congenital with impaired intellectual development), type B, 1; Walker-Warburg congenital muscular dystrophy; Autosomal recessive limb-girdle muscular dystrophy type 2K. Last evaluated: 2025-10-02. Review status: criteria provided, single submitter. Criteria: Invitae Variant Classification Sherloc (09022015). Collection method: clinical testing. Allele origin: germline.
Comment: This sequence change affects codon 446 of the POMT1 mRNA. It is a 'silent' change, meaning that it does not change the encoded amino acid sequence of the POMT1 protein. This variant also falls at the last nucleotide of exon 13, which is part of the consensus splice site for this exon. This variant is not present in population databases (gnomAD no frequency). This variant has not been reported in the literature in individuals affected with POMT1-related conditions. ClinVar contains an entry for this variant (Variation ID: 2086472). Variants that disrupt the consensus splice site are a relatively common cause of aberrant splicing (PMID: 17576681, 9536098). Algorithms developed to predict the effect of sequence changes on RNA splicing suggest that this variant may disrupt the consensus splice site. In summary, the available evidence is currently insufficient to determine the role of this variant in disease. Therefore, it has been classified as a Variant of Uncertain Significance.

Literature cited by the submitters: PubMed 17576681; PubMed 9536098.

NM_001077365.2(POMT1):c.1272G>T (p.Leu424=)

Gene: POMT1 (protein O-mannosyltransferase 1; plus strand). Cytogenetic location: 9q34.13.
Variant type: single nucleotide variant.
Coding change: c.1272G>T on transcript NM_001077365.2 (MANE Select); coding-DNA position 1272, G replaced by T.
Protein change: p.Leu424=; no amino-acid change (leucine 424 retained).
Molecular consequence: synonymous variant. On other transcripts: non-coding transcript variant (10).
Genome position (GRCh38, 1-based): chr9:131,515,522, G>T. VCF-style: chr9-131515522-G-T. GRCh37 (hg19) VCF-style: chr9-134390909-G-T.
Other names: c.1110G>T, p.Leu370= (NM_001077366.2, NM_001353194.2); c.1272G>T, p.Leu424= (NM_001136113.2, NM_001374690.1); c.921G>T, p.Leu307= (NM_001136114.2, NM_001353195.2, NM_001374691.1 and 2 more transcripts); c.1338G>T, p.Leu446= (NM_001353193.2, NM_007171.4); c.1182G>T, p.Leu394= (NM_001353196.2); c.1176G>T, p.Leu392= (NM_001353197.2, NM_001353198.2); c.987G>T, p.Leu329= (NM_001353199.2); c.816G>T, p.Leu272= (NM_001353200.2); and 3 more.
Identifiers: ClinVar variation 2086472 (VCV002086472.4), dbSNP rs1948116148, ClinGen allele CA467422173.
Genomic context (GRCh38, chr9:131,515,522, plus strand): 5'-GGAGGTCTCCTGCTACATTGACTATAACATCTCCATGCCCGCCCAGAACCTCTGGAGACT[G>T]GTGAGTAAGGCTGCGGCTATAGCAGCCACAACCGTCAGTAATGAACACTCCCTCACACGG-3'
Protein context (NP_001070833.1, residues 414-434): ISMPAQNLWR[Leu424=]EIVNRGSDTD